The following is an entry in ClinVar:

ClinVar aggregate classification (germline): Uncertain significance (1 of 4 stars; one submission).

Submission:

Labcorp Genetics (formerly Invitae), Labcorp
Classification: Uncertain significance. Last evaluated: 2024-07-01. Review status: criteria provided, single submitter. Criteria: Invitae Variant Classification Sherloc (09022015). Collection method: clinical testing. Allele origin: germline.
Comment: This sequence change affects a donor splice site in intron 4 of the CLCN6 gene. It is expected to disrupt RNA splicing. Variants that disrupt the donor or acceptor splice site typically lead to a loss of protein function (PMID: 16199547), however the current clinical and genetic evidence is not sufficient to establish whether loss-of-function variants in CLCN6 cause disease. This variant is not present in population databases (gnomAD no frequency). This variant has not been reported in the literature in individuals affected with CLCN6-related conditions. ClinVar contains an entry for this variant (Variation ID: 1362865). Algorithms developed to predict the effect of sequence changes on RNA splicing suggest that this variant may disrupt the consensus splice site. In summary, the available evidence is currently insufficient to determine the role of this variant in disease. Therefore, it has been classified as a Variant of Uncertain Significance.

Literature cited by the submitters: PubMed 16199547.

NM_001286.5(CLCN6):c.279+1G>C

Gene: CLCN6 (chloride voltage-gated channel 6; plus strand). Cytogenetic location: 1p36.22.
Variant type: single nucleotide variant.
Coding change: c.279+1G>C on transcript NM_001286.5 (MANE Select); the canonical splice donor site of the intron after coding-DNA position 279, G replaced by C.
Molecular consequence: splice donor variant.
Genome position (GRCh38, 1-based): chr1:11,816,681, G>C. VCF-style: chr1-11816681-G-C. GRCh37 (hg19) VCF-style: chr1-11876738-G-C.
Other names: c.213+1G>C (NM_001256959.2).
Identifiers: ClinVar variation 1362865 (VCV001362865.8), dbSNP rs2100616564, ClinGen allele CA338425964.